The following is an entry in ClinVar:

ClinVar aggregate classification (germline): Uncertain significance. Review status: criteria provided, multiple submitters, no conflicts (2 of 4 stars). 2 submissions from 2 submitters: Uncertain significance (2). Last evaluated 2025-06-26.

Conditions:
Neurofibromatosis, type 2 (SWNV). Also called: BILATERAL ACOUSTIC NEUROFIBROMATOSIS; SCHWANNOMATOSIS, VESTIBULAR; NF2-Related Schwannomatosis. Identifiers: Orphanet 637, MedGen C0027832, MONDO:0007039, OMIM 101000. Disease mechanism: loss of function.

Submissions (2):

Color Diagnostics, LLC DBA Color Health
Classification: Uncertain significance for Neurofibromatosis, type 2. Last evaluated: 2025-06-26. Review status: criteria provided, single submitter. Criteria: ACMG Guidelines, 2015. Collection method: clinical testing. Allele origin: germline.
Comment: This missense variant replaces glutamic acid with glutamine at codon 342 of the NF2 protein. Computational prediction is inconclusive regarding the impact of this variant on protein structure and function. To our knowledge, functional studies have not been reported for this variant. This variant has not been reported in individuals affected with NF2-related disorders in the literature. This variant has not been identified in the general population by the Genome Aggregation Database (gnomAD). The available evidence is insufficient to determine the role of this variant in disease conclusively. Therefore, this variant is classified as a Variant of Uncertain Significance.

Labcorp Genetics (formerly Invitae), Labcorp
Classification: Uncertain significance for Neurofibromatosis, type 2. Last evaluated: 2023-12-14. Review status: criteria provided, single submitter. Criteria: Invitae Variant Classification Sherloc (09022015). Collection method: clinical testing. Allele origin: germline.
Comment: This sequence change replaces glutamic acid, which is acidic and polar, with glutamine, which is neutral and polar, at codon 342 of the NF2 protein (p.Glu342Gln). This variant is not present in population databases (gnomAD no frequency). This variant has not been reported in the literature in individuals affected with NF2-related conditions. Advanced modeling of protein sequence and biophysical properties (such as structural, functional, and spatial information, amino acid conservation, physicochemical variation, residue mobility, and thermodynamic stability) performed at Invitae indicates that this missense variant is expected to disrupt NF2 protein function with a positive predictive value of 80%. In summary, the available evidence is currently insufficient to determine the role of this variant in disease. Therefore, it has been classified as a Variant of Uncertain Significance.

NM_000268.4(NF2):c.1024G>C (p.Glu342Gln)

Gene: NF2 (NF2, moesin-ezrin-radixin like (MERLIN) tumor suppressor; plus strand). Cytogenetic location: 22q12.2.
Variant type: single nucleotide variant.
Coding change: c.1024G>C on transcript NM_000268.4 (MANE Select); coding-DNA position 1024, G replaced by C.
Protein change: p.Glu342Gln; replaces glutamic acid 342 with glutamine.
Molecular consequence: missense variant. On other transcripts: intron variant (1).
Genome position (GRCh38, 1-based): chr22:29,671,850, G>C. VCF-style: chr22-29671850-G-C. GRCh37 (hg19) VCF-style: chr22-30067839-G-C.
Other names: c.910G>C, p.Glu304Gln (NM_001407053.1, NM_001407056.1); c.901G>C, p.Glu301Gln (NM_001407054.1, NM_001407058.1, NM_181829.3); c.898G>C, p.Glu300Gln (NM_001407055.1, NM_181828.3); c.889G>C, p.Glu297Gln (NM_001407057.1, NM_001407059.1); c.1024G>C, p.Glu342Gln (NM_001407060.1, NM_001407066.1, NM_016418.5 and 2 more transcripts); c.766G>C, p.Glu256Gln (NM_001407062.1); c.775G>C, p.Glu259Gln (NM_001407063.1, NM_001407064.1, NM_181830.3 and 1 more transcripts); c.490G>C, p.Glu164Gln (NM_001407065.1); and 2 more; short protein forms E164Q, E256Q, E304Q, E342Q, E265Q, E297Q, E301Q, E259Q.
Identifiers: ClinVar variation 2703076 (VCV002703076.4), dbSNP rs2147071781, ClinGen allele CA411146776.